The following is an entry in ClinVar:

ClinVar aggregate classification (germline): Benign/Likely benign. Review status: criteria provided, multiple submitters, no conflicts (2 of 4 stars). 4 submissions from 4 submitters: Benign (2); Likely benign (2). Last evaluated 2025-11-12.

Allele frequency attached by ClinVar (database versions not stated): gnomAD exomes 0.00017 and 0.00040; ExAC 0.00063; ESP Exome Variant Server 0.00154; 1000 Genomes Project 0.00160; 1000 Genomes Project 30x 0.00172; gnomAD 0.00172 and 0.00187; TOPMed 0.00205.
gnomAD v4.1: 506 of 1,595,856 alleles (0.032%); highest among the groups gnomAD compares: African/African-American, 0.62%; 2 homozygotes.

Submissions (4):

Labcorp Genetics (formerly Invitae), Labcorp
Classification: Benign. Last evaluated: 2025-11-12. Review status: criteria provided, single submitter. Criteria: Invitae Variant Classification Sherloc (09022015). Collection method: clinical testing. Allele origin: germline.

Blueprint Genetics
Classification: Likely benign. Last evaluated: 2024-06-11. Review status: criteria provided, single submitter. Criteria: ACMG Guidelines, 2015. Collection method: clinical testing. Allele origin: germline.

GeneDx
Classification: Likely benign. Last evaluated: 2021-01-26. Review status: criteria provided, single submitter. Criteria: GeneDx Variant Classification Process June 2021. Collection method: clinical testing. Allele origin: germline. Affected: yes.

Laboratory for Molecular Medicine, Mass General Brigham Personalized Medicine
Classification: Benign. Last evaluated: 2017-02-02. Review status: criteria provided, single submitter. Criteria: LMM Criteria. Collection method: clinical testing. Allele origin: germline. Observed: 1 variant allele.
Comment: c.1368-12A>G in intron 13 of OTOGL: This variant is not expected to have clinica l significance because it has been identified in 0.7% (64/8764) of African chrom osomes by the Exome Aggregation Consortium (ExAC ; dbSNP rs138572593).

NM_001378609.3(OTOGL):c.1395-12A>G

Gene: OTOGL (otogelin like; plus strand). Cytogenetic location: 12q21.31.
Variant type: single nucleotide variant.
Coding change: c.1395-12A>G on transcript NM_001378609.3 (MANE Select); 12 bases into the intron before coding-DNA position 1395, A replaced by G.
Molecular consequence: intron variant.
Genome position (GRCh38, 1-based): chr12:80,254,512, A>G. VCF-style: chr12-80254512-A-G. GRCh37 (hg19) VCF-style: chr12-80648292-A-G.
Other names: c.1395-12A>G (NM_001368062.3, NM_001378610.3, NM_173591.7).
Identifiers: ClinVar variation 504792 (VCV000504792.17), dbSNP rs138572593, ClinGen allele CA6700450.
Genomic context (GRCh38, chr12:80,254,512, plus strand): 5'-TCAATACATTGATGCAAACATTAATACAGTTTCTCTATGCCAATAGATTAATATTTTTAT[A>G]ATTTCTTTTAGTGTGTGTGTTGGTGGAGTTTGGAACTGCACTGAGCAAGACTGTCCAGGT-3'